The following is an entry in ClinVar:

ClinVar aggregate classification (germline): Benign. Review status: criteria provided, multiple submitters, no conflicts (2 of 4 stars). 3 submissions from 3 submitters: Benign (3). Last evaluated 2026-06-01.

Allele frequency attached by ClinVar (database versions not stated): ESP Exome Variant Server 0.00316; TOPMed 0.00317; gnomAD exomes 0.00353 and 0.00371; ExAC 0.00363; 1000 Genomes Project 30x 0.00187; 1000 Genomes Project 0.00200; gnomAD 0.00294 and 0.00299.
gnomAD v4.1: 5,920 of 1,614,172 alleles (0.37%); highest among the groups gnomAD compares: Middle Eastern, 1.2%; 26 homozygotes.

Submissions (3):

CeGaT Center for Human Genetics Tuebingen
Classification: Benign. Last evaluated: 2026-06-01. Review status: criteria provided, single submitter. Criteria: CeGaT Center For Human Genetics Tuebingen Variant Classification Criteria Version 2. Collection method: clinical testing. Allele origin: germline. Affected: yes. Observed: 10 variant alleles.
Comment: DHX9: BP4, BP7, BS1, BS2

Labcorp Genetics (formerly Invitae), Labcorp
Classification: Benign. Last evaluated: 2018-05-25. Review status: criteria provided, single submitter. Criteria: Invitae Variant Classification Sherloc (09022015). Collection method: clinical testing. Allele origin: germline.

Breakthrough Genomics
Classification: Benign. Review status: criteria provided, single submitter. Criteria: ACMG Guidelines, 2015. Collection method: not provided. Allele origin: germline. Inheritance: Unknown mechanism. Affected: yes.

NM_001357.5(DHX9):c.2709C>T (p.Ile903=)

Gene: DHX9 (DExH-box helicase 9; plus strand). Cytogenetic location: 1q25.3.
Variant type: single nucleotide variant.
Coding change: c.2709C>T on transcript NM_001357.5 (MANE Select); coding-DNA position 2709, C replaced by T.
Protein change: p.Ile903=; no amino-acid change (isoleucine 903 retained).
Molecular consequence: synonymous variant. On other transcripts: non-coding transcript variant (1).
Genome position (GRCh38, 1-based): chr1:182,881,348, C>T. VCF-style: chr1-182881348-C-T. GRCh37 (hg19) VCF-style: chr1-182850483-C-T.
Identifiers: ClinVar variation 773289 (VCV000773289.17), dbSNP rs201506072, ClinGen allele CA1279980.